The following is an entry in ClinVar:

ClinVar aggregate classification (germline): Uncertain significance. Review status: criteria provided, single submitter (1 of 4 stars). 2 submissions from 2 submitters: Uncertain significance (1). 1 of the submissions does not count toward it. Last evaluated 2021-08-12.

Conditions:
ABI2-related disorder. Also called: ABI2-related condition.

Allele frequency attached by ClinVar (database versions not stated): ESP Exome Variant Server 0.00046; ExAC 0.00052; gnomAD 0.00052; TOPMed 0.00060; gnomAD exomes 0.00068.
gnomAD v4.1: 1,074 of 1,598,598 alleles (0.067%); highest among the groups gnomAD compares: Middle Eastern, 0.2%; 4 homozygotes.

Submissions (2):

Ambry Genetics
Classification: Uncertain significance. Last evaluated: 2021-08-12. Review status: criteria provided, single submitter. Criteria: Ambry Variant Classification Scheme 2023. Collection method: clinical testing. Allele origin: germline.

PreventionGenetics, part of Exact Sciences
Classification: Likely benign for ABI2-related condition. Last evaluated: 2022-08-29. Review status: no assertion criteria provided. Collection method: clinical testing. Allele origin: germline. Not counted in ClinVar's aggregate classification.
Comment: This variant is classified as likely benign based on ACMG/AMP sequence variant interpretation guidelines (Richards et al. 2015 PMID: 25741868, with internal and published modifications).

NM_001375670.1(ABI2):c.421A>G (p.Ile141Val)

Gene: ABI2 (abl interactor 2; plus strand). Cytogenetic location: 2q33.2.
Variant type: single nucleotide variant.
Coding change: c.421A>G on transcript NM_001375670.1 (MANE Select); coding-DNA position 421, A replaced by G.
Protein change: p.Ile141Val; replaces isoleucine 141 with valine.
Molecular consequence: missense variant. On other transcripts: non-coding transcript variant (12), intron variant (4).
Genome position (GRCh38, 1-based): chr2:203,380,343, A>G. VCF-style: chr2-203380343-A-G. GRCh37 (hg19) VCF-style: chr2-204245066-A-G.
Other names: c.421A>G, p.Ile141Val (NM_001282925.3, NM_001282926.3, NM_001375671.1 and 40 more transcripts); c.286A>G, p.Ile96Val (NM_001282927.2, NM_001375679.1, NM_001375691.1 and 5 more transcripts); c.253A>G, p.Ile85Val (NM_001282932.2, NM_001375702.1, NM_001375714.1 and 8 more transcripts); c.199A>G, p.Ile67Val (NM_001375662.1, NM_001375663.1, NM_001375664.1 and 17 more transcripts); c.331A>G, p.Ile111Val (NM_001375719.1); c.286-10703A>G (NM_001375744.1, NM_001375746.1, NM_001375736.1 and 1 more transcripts); c.421A>G (NM_005759.4); short protein forms I111V, I141V, I67V, I85V, I96V.
Identifiers: ClinVar variation 3045954 (VCV003045954.3), dbSNP rs141392713, ClinGen allele CA2065554.